The following is an entry in ClinVar:

ClinVar aggregate classification (germline): Pathogenic (1 of 4 stars; one submission).

Submission:

Labcorp Genetics (formerly Invitae), Labcorp
Classification: Pathogenic. Last evaluated: 2025-10-29. Review status: criteria provided, single submitter. Criteria: Invitae Variant Classification Sherloc (09022015). Collection method: clinical testing. Allele origin: germline.
Comment: This sequence change creates a premature translational stop signal (p.Trp1939Leufs*95) in the PKD1L1 gene. It is expected to result in an absent or disrupted protein product. Loss-of-function variants in PKD1L1 are known to be pathogenic (PMID: 27616478). This variant is present in population databases (no rsID available, gnomAD 0.002%). This variant has not been reported in the literature in individuals affected with PKD1L1-related conditions. For these reasons, this variant has been classified as Pathogenic.

Literature cited by the submitters: PubMed 27616478.

NM_138295.5(PKD1L1):c.5813dup (p.Trp1939fs)

Gene: PKD1L1 (polycystin 1 like 1, transient receptor potential channel interacting; minus strand). Cytogenetic location: 7p12.3.
Variant type: Duplication.
Coding change: c.5813dup on transcript NM_138295.5 (MANE Select); coding-DNA position 5813, one base duplicated (T; older notation c.5813dupT).
Protein change: p.Trp1939fs; shifts the reading frame from tryptophan 1939.
Molecular consequence: frameshift variant.
Genome position (GRCh38, 1-based): chr7:47,837,051, A duplicated on the plus strand (T on the coding strand, the reverse complement: PKD1L1 is on the minus strand). VCF-style (leftmost placement, unchanged base first): chr7-47837050-G-GA. GRCh37 (hg19) VCF-style: chr7-47876648-G-GA.
Other names: short protein forms W1939fs.
Identifiers: ClinVar variation 4702067 (VCV004702067.1).